The following is an entry in ClinVar:

ClinVar aggregate classification (germline): Uncertain significance (1 of 4 stars; one submission).

Submission:

GeneDx
Classification: Uncertain significance. Last evaluated: 2023-03-13. Review status: criteria provided, single submitter. Criteria: GeneDx Variant Classification Process June 2021. Collection method: clinical testing. Allele origin: germline. Affected: yes.
Comment: Not observed at significant frequency in large population cohorts (gnomAD); In silico analysis supports that this missense variant does not alter protein structure/function; Has not been previously published as pathogenic or benign to our knowledge

NM_003900.5(SQSTM1):c.877C>A (p.Pro293Thr)

Gene: SQSTM1 (sequestosome 1; plus strand). Cytogenetic location: 5q35.3.
Variant type: single nucleotide variant.
Coding change: c.877C>A on transcript NM_003900.5 (MANE Select); coding-DNA position 877, C replaced by A.
Protein change: p.Pro293Thr; replaces proline 293 with threonine.
Molecular consequence: missense variant.
Genome position (GRCh38, 1-based): chr5:179,833,154, C>A. VCF-style: chr5-179833154-C-A. GRCh37 (hg19) VCF-style: chr5-179260154-C-A.
Other names: c.625C>A, p.Pro209Thr (NM_001142298.2, NM_001142299.2); short protein forms P209T, P293T.
Identifiers: ClinVar variation 2580030 (VCV002580030.1), dbSNP rs1758322899, ClinGen allele CA362451538.